The following is an entry in ClinVar:

NM_000301.5(PLG):c.1397C>G (p.Pro466Arg)

Gene: PLG (plasminogen; plus strand). Cytogenetic location: 6q26.
Variant type: single nucleotide variant.
Coding change: c.1397C>G on transcript NM_000301.5 (MANE Select); coding-DNA position 1397, C replaced by G.
Protein change: p.Pro466Arg; replaces proline 466 with arginine.
Molecular consequence: missense variant.
Genome position (GRCh38, 1-based): chr6:160,731,191, C>G. VCF-style: chr6-160731191-C-G. GRCh37 (hg19) VCF-style: chr6-161152223-C-G.
Other names: short protein forms P466R.
Identifiers: ClinVar variation 1970041 (VCV001970041.6), dbSNP rs1459528455, ClinGen allele CA366363818.

ClinVar aggregate classification (germline): Uncertain significance. Review status: criteria provided, multiple submitters, no conflicts (2 of 4 stars). 2 submissions from 2 submitters: Uncertain significance (2). Last evaluated 2025-06-30.

Conditions:
Inborn genetic diseases. Identifiers: MedGen C0950123, MeSH D030342.

Allele frequency attached by ClinVar (database versions not stated): gnomAD 0.00001; TOPMed 0.00003.
gnomAD v4.1: 8 of 1,614,064 alleles (0.0005%); highest among the groups gnomAD compares: Admixed American, 0.0033%; no homozygotes.

Submissions (2):

Ambry Genetics
Classification: Uncertain significance for Inborn genetic diseases. Last evaluated: 2025-06-30. Review status: criteria provided, single submitter. Criteria: Ambry Variant Classification Scheme 2023. Collection method: clinical testing. Allele origin: germline.

Labcorp Genetics (formerly Invitae), Labcorp
Classification: Uncertain significance. Last evaluated: 2023-09-29. Review status: criteria provided, single submitter. Criteria: Invitae Variant Classification Sherloc (09022015). Collection method: clinical testing. Allele origin: germline.
Comment: ClinVar contains an entry for this variant (Variation ID: 1970041). In summary, the available evidence is currently insufficient to determine the role of this variant in disease. Therefore, it has been classified as a Variant of Uncertain Significance. Advanced modeling of protein sequence and biophysical properties (such as structural, functional, and spatial information, amino acid conservation, physicochemical variation, residue mobility, and thermodynamic stability) performed at Invitae indicates that this missense variant is not expected to disrupt PLG protein function. This variant has not been reported in the literature in individuals affected with PLG-related conditions. This variant is present in population databases (no rsID available, gnomAD 0.0009%). This sequence change replaces proline, which is neutral and non-polar, with arginine, which is basic and polar, at codon 466 of the PLG protein (p.Pro466Arg).